The following is an entry in ClinVar:

NM_017547.4(FOXRED1):c.1101+1G>A

Gene: FOXRED1 (FAD dependent oxidoreductase domain containing 1; plus strand). Cytogenetic location: 11q24.2.
Variant type: single nucleotide variant.
Coding change: c.1101+1G>A on transcript NM_017547.4 (MANE Select); the canonical splice donor site of the intron after coding-DNA position 1101, G replaced by A.
Molecular consequence: splice donor variant.
Genome position (GRCh38, 1-based): chr11:126,276,524, G>A. VCF-style: chr11-126276524-G-A. GRCh37 (hg19) VCF-style: chr11-126146419-G-A.
Identifiers: ClinVar variation 2959108 (VCV002959108.3), dbSNP rs2497198641, ClinGen allele CA383231079.

ClinVar aggregate classification (germline): Likely pathogenic (1 of 4 stars; one submission).

Allele frequency attached by ClinVar (database versions not stated): gnomAD exomes below 0.00001.

Submission:

Labcorp Genetics (formerly Invitae), Labcorp
Classification: Likely pathogenic. Last evaluated: 2023-07-13. Review status: criteria provided, single submitter. Criteria: Invitae Variant Classification Sherloc (09022015). Collection method: clinical testing. Allele origin: germline.
Comment: This sequence change affects a donor splice site in intron 9 of the FOXRED1 gene. It is expected to disrupt RNA splicing. Variants that disrupt the donor or acceptor splice site typically lead to a loss of protein function (PMID: 16199547), and loss-of-function variants in FOXRED1 are known to be pathogenic (PMID: 20818383, 20858599). This variant is not present in population databases (gnomAD no frequency). This variant has not been reported in the literature in individuals affected with FOXRED1-related conditions. Algorithms developed to predict the effect of sequence changes on RNA splicing suggest that this variant may disrupt the consensus splice site. In summary, the currently available evidence indicates that the variant is pathogenic, but additional data are needed to prove that conclusively. Therefore, this variant has been classified as Likely Pathogenic.

Literature cited by the submitters: PubMed 16199547; PubMed 20818383; PubMed 20858599.